The following is an entry in ClinVar:

ClinVar aggregate classification (germline): Uncertain significance (1 of 4 stars; one submission).

Submission:

Greenwood Genetic Center Diagnostic Laboratories, Greenwood Genetic Center
Classification: Uncertain significance. Last evaluated: 2026-04-14. Review status: criteria provided, single submitter. Criteria: ACMG Guidelines, 2015. Collection method: clinical testing. Allele origin: germline.
Comment: PM2, BP4, PP2

NM_001375524.1(TRRAP):c.782A>G (p.Gln261Arg)

Gene: TRRAP (transformation/transcription domain associated protein; plus strand). Cytogenetic location: 7q22.1.
Variant type: single nucleotide variant.
Coding change: c.782A>G on transcript NM_001375524.1 (MANE Select); coding-DNA position 782, A replaced by G.
Protein change: p.Gln261Arg; replaces glutamine 261 with arginine.
Molecular consequence: missense variant.
Genome position (GRCh38, 1-based): chr7:98,899,749, A>G. VCF-style: chr7-98899749-A-G. GRCh37 (hg19) VCF-style: chr7-98497372-A-G.
Other names: c.782A>G, p.Gln261Arg (NM_001244580.2, NM_003496.4); short protein forms Q261R.
Identifiers: ClinVar variation 4891223 (VCV004891223.1).